The following is an entry in ClinVar:

ClinVar aggregate classification (germline): Uncertain significance (1 of 4 stars; one submission).

Allele frequency attached by ClinVar (database versions not stated): TOPMed below 0.00001; gnomAD 0.00001.

Submission:

Labcorp Genetics (formerly Invitae), Labcorp
Classification: Uncertain significance. Last evaluated: 2022-05-07. Review status: criteria provided, single submitter. Criteria: Invitae Variant Classification Sherloc (09022015). Collection method: clinical testing. Allele origin: germline.
Comment: This sequence change replaces isoleucine, which is neutral and non-polar, with valine, which is neutral and non-polar, at codon 273 of the SLC1A4 protein (p.Ile273Val). This variant is present in population databases (no rsID available, gnomAD 0.01%). This variant has not been reported in the literature in individuals affected with SLC1A4-related conditions. Algorithms developed to predict the effect of missense changes on protein structure and function (SIFT, PolyPhen-2, Align-GVGD) all suggest that this variant is likely to be disruptive. In summary, the available evidence is currently insufficient to determine the role of this variant in disease. Therefore, it has been classified as a Variant of Uncertain Significance.

NM_003038.5(SLC1A4):c.817A>G (p.Ile273Val)

Gene: SLC1A4 (solute carrier family 1 member 4; plus strand). Cytogenetic location: 2p14.
Variant type: single nucleotide variant.
Coding change: c.817A>G on transcript NM_003038.5 (MANE Select); coding-DNA position 817, A replaced by G.
Protein change: p.Ile273Val; replaces isoleucine 273 with valine.
Molecular consequence: missense variant. On other transcripts: intron variant (1).
Genome position (GRCh38, 1-based): chr2:65,016,456, A>G. VCF-style: chr2-65016456-A-G. GRCh37 (hg19) VCF-style: chr2-65243590-A-G.
Other names: c.157A>G, p.Ile53Val (NM_001348406.2, NM_001348407.2); c.141-1615A>G (NM_001193493.2); short protein forms I273V, I53V.
Identifiers: ClinVar variation 1958187 (VCV001958187.2), dbSNP rs1020771705, ClinGen allele CA49345151.